The following is an entry in ClinVar:

ClinVar aggregate classification (germline): Pathogenic (1 of 4 stars; one submission).

Submission:

Labcorp Genetics (formerly Invitae), Labcorp
Classification: Pathogenic. Last evaluated: 2023-12-07. Review status: criteria provided, single submitter. Criteria: Invitae Variant Classification Sherloc (09022015). Collection method: clinical testing. Allele origin: germline.
Comment: A gross deletion of the genomic region encompassing the full coding sequence of the RORB gene has been identified. Loss-of-function variants in RORB are known to be pathogenic (PMID: 27352968). The boundaries of this event are unknown as they extend beyond the assayed region for this gene and therefore may encompass additional genes. Isolated whole-gene deletions of RORB have not been reported in the literature. However, larger copy number events that include this gene have been reported (PMID: 27352968, 30866059). For these reasons, this variant has been classified as Pathogenic.

Literature cited by the submitters: PubMed 27352968; PubMed 30866059.

NC_000009.11:g.(?_77112893)_(77502772_?)del

Genes: RORB (RAR related orphan receptor B; plus strand), TRPM6 (transient receptor potential cation channel subfamily M member 6; minus strand). Cytogenetic location: 9q21.13.
Variant type: Deletion.
Identifiers: ClinVar variation 1459201 (VCV001459201.5).